The following is an entry in ClinVar:

NM_207037.2(TCF12):c.386G>A (p.Cys129Tyr)

Gene: TCF12 (transcription factor 12; plus strand). Cytogenetic location: 15q21.3.
Variant type: single nucleotide variant.
Coding change: c.386G>A on transcript NM_207037.2 (MANE Select); coding-DNA position 386, G replaced by A.
Protein change: p.Cys129Tyr; replaces cysteine 129 with tyrosine.
Molecular consequence: missense variant. On other transcripts: 5 prime UTR variant (1).
Genome position (GRCh38, 1-based): chr15:57,166,462, G>A. VCF-style: chr15-57166462-G-A. GRCh37 (hg19) VCF-style: chr15-57458660-G-A.
Other names: c.386G>A, p.Cys129Tyr (NM_001322151.2, NM_001322152.2, NM_001322157.3 and 7 more transcripts); c.-267G>A (NM_001322154.2); c.212G>A, p.Cys71Tyr (NM_001322156.2, NM_001322158.2); c.422G>A, p.Cys141Tyr (NM_001322164.2); short protein forms C129Y, C141Y, C71Y.
Identifiers: ClinVar variation 5008035 (VCV005008035.1).

ClinVar aggregate classification (germline): Uncertain significance (1 of 4 stars; one submission).

Submission:

GeneDx
Classification: Uncertain significance. Last evaluated: 2026-02-12. Review status: criteria provided, single submitter. Criteria: GeneDx Variant Classification Process June 2021. Collection method: clinical testing. Allele origin: germline.
Comment: Not observed at significant frequency in large population cohorts (gnomAD); In silico analysis supports that this missense variant has a deleterious effect on protein structure/function; Has not been previously published as pathogenic or benign to our knowledge